The following is an entry in ClinVar:

NM_032482.3(DOT1L):c.806C>T (p.Ser269Leu)

Gene: DOT1L (DOT1 like histone lysine methyltransferase; plus strand). Cytogenetic location: 19p13.3.
Variant type: single nucleotide variant.
Coding change: c.806C>T on transcript NM_032482.3 (MANE Select); coding-DNA position 806, C replaced by T.
Protein change: p.Ser269Leu; replaces serine 269 with leucine.
Molecular consequence: missense variant.
Genome position (GRCh38, 1-based): chr19:2,206,747, C>T. VCF-style: chr19-2206747-C-T. GRCh37 (hg19) VCF-style: chr19-2206746-C-T.
Other names: c.806C>T, p.Ser269Leu (NM_001411141.1); short protein forms S269L.
Identifiers: ClinVar variation 4731222 (VCV004731222.1).

ClinVar aggregate classification (germline): Uncertain significance (1 of 4 stars; one submission).

Submission:

Labcorp Genetics (formerly Invitae), Labcorp
Classification: Uncertain significance. Last evaluated: 2025-11-14. Review status: criteria provided, single submitter. Criteria: Invitae Variant Classification Sherloc (09022015). Collection method: clinical testing. Allele origin: germline.
Comment: This sequence change replaces serine, which is neutral and polar, with leucine, which is neutral and non-polar, at codon 269 of the DOT1L protein (p.Ser269Leu). This variant is not present in population databases (gnomAD no frequency). This missense change has been observed in individual(s) with DOT1L-related conditions (PMID: 40494548). An algorithm developed to predict the effect of missense changes on protein structure and function (PolyPhen-2) suggests that this variant is likely to be disruptive. In summary, the available evidence is currently insufficient to determine the role of this variant in disease. Therefore, it has been classified as a Variant of Uncertain Significance.

Literature cited by the submitters: PubMed 40494548.